The following is an entry in ClinVar:

NM_001429.4(EP300):c.7131T>C (p.Ala2377=)

Gene: EP300 (EP300 lysine acetyltransferase; plus strand). Cytogenetic location: 22q13.2.
Variant type: single nucleotide variant.
Coding change: c.7131T>C on transcript NM_001429.4 (MANE Select); coding-DNA position 7131, T replaced by C.
Protein change: p.Ala2377=; no amino-acid change (alanine 2377 retained).
Molecular consequence: synonymous variant.
Genome position (GRCh38, 1-based): chr22:41,178,842, T>C. VCF-style: chr22-41178842-T-C. GRCh37 (hg19) VCF-style: chr22-41574846-T-C.
Other names: c.7053T>C, p.Ala2351= (NM_001362843.2); c.7131T>C (NM_001429.3).
Identifiers: ClinVar variation 3706050 (VCV003706050.3).
Genomic context (GRCh38, chr22:41,178,842, plus strand): 5'-CCCCATGGAACAAGGGCATTTTGCCAGCCCGGACCAGAATTCAATGCTTTCTCAGCTTGC[T>C]AGCAATCCAGGCATGGCAAACCTCCATGGTGCAAGCGCCACGGACCTGGGACTCAGCACC-3'
Protein context (NP_001420.2, residues 2367-2387): PDQNSMLSQL[Ala2377=]SNPGMANLHG

ClinVar aggregate classification (germline): Likely benign. Review status: criteria provided, multiple submitters, no conflicts (2 of 4 stars). 2 submissions from 2 submitters: Likely benign (2). Last evaluated 2025-04-23.

Conditions:
EP300-related disorder. Also called: EP300-related condition; EP300-related disorders.
Rubinstein-Taybi syndrome due to EP300 haploinsufficiency. Also called: EP300-Related Rubinstein-Taybi Syndrome; RUBINSTEIN-TAYBI SYNDROME 2. Identifiers: Orphanet 353284, Orphanet 783, MedGen C3150941, MONDO:0013364, OMIM 613684.

gnomAD v4.1: 2 of 1,614,054 alleles (0.00012%); highest among the groups gnomAD compares: Non-Finnish European, 0.00017%; no homozygotes.

Submissions (2):

PreventionGenetics, part of Exact Sciences
Classification: Likely benign for EP300-related condition. Last evaluated: 2025-04-23. Review status: criteria provided, single submitter. Criteria: ACMG Guidelines, 2015. Collection method: clinical testing. Allele origin: germline.
Comment: This variant is classified as likely benign based on ACMG/AMP sequence variant interpretation guidelines (Richards et al. 2015 PMID: 25741868, with internal and published modifications).

Labcorp Genetics (formerly Invitae), Labcorp
Classification: Likely benign for Rubinstein-Taybi syndrome due to EP300 haploinsufficiency. Last evaluated: 2024-03-06. Review status: criteria provided, single submitter. Criteria: Invitae Variant Classification Sherloc (09022015). Collection method: clinical testing. Allele origin: germline.